The following is an entry in ClinVar:

NM_007078.3(LDB3):c.356C>T (p.Ala119Val)

Gene: LDB3 (LIM domain binding 3; plus strand). Cytogenetic location: 10q23.2.
Variant type: single nucleotide variant.
Coding change: c.356C>T on transcript NM_007078.3 (MANE Select); coding-DNA position 356, C replaced by T.
Protein change: p.Ala119Val; replaces alanine 119 with valine.
Molecular consequence: missense variant. On other transcripts: intron variant (5).
Genome position (GRCh38, 1-based): chr10:86,681,470, C>T. VCF-style: chr10-86681470-C-T. GRCh37 (hg19) VCF-style: chr10-88441227-C-T.
Other names: p.A119V:GCA>GTA; c.356C>T, p.Ala119Val (NM_001080115.2, NM_001171610.2, NM_001171611.2 and 3 more transcripts); c.321+1313C>T (NM_001368068.1, NM_001368066.1, NM_001080114.2 and 2 more transcripts); short protein forms A119V.
Identifiers: ClinVar variation 45545 (VCV000045545.19), dbSNP rs397517223, ClinGen allele CA136604.

ClinVar aggregate classification (germline): Uncertain significance. Review status: criteria provided, multiple submitters, no conflicts (2 of 4 stars). 5 submissions from 5 submitters: Uncertain significance (4). 1 of the submissions does not count toward it. Last evaluated 2025-12-20.

Conditions:
Cardiovascular phenotype. Identifiers: MedGen CN230736.
Myofibrillar myopathy 4. Also called: Zaspopathy (type). Identifiers: Orphanet 98912, MedGen C4721886, MONDO:0012277, OMIM 609452.
Dilated cardiomyopathy 1C (CMD1C). Also called: CARDIOMYOPATHY, DILATED, 1C, WITH OR WITHOUT LEFT VENTRICULAR NONCOMPACTION; Cardiomyopathy, dilated, 1C, with or without LVNC. Identifiers: Orphanet 154, Orphanet 54260, MedGen C1832244, MONDO:0011094, OMIM 601493.

Allele frequency attached by ClinVar (database versions not stated): gnomAD 0.00002; ExAC 0.00001; gnomAD exomes 0.00001; TOPMed 0.00003.
gnomAD v4.1: 14 of 1,606,730 alleles (0.00087%); highest among the groups gnomAD compares: Non-Finnish European, 0.0012%; no homozygotes.

Submissions (5):

Labcorp Genetics (formerly Invitae), Labcorp
Classification: Uncertain significance for Myofibrillar myopathy 4. Last evaluated: 2025-12-20. Review status: criteria provided, single submitter. Criteria: Invitae Variant Classification Sherloc (09022015). Collection method: clinical testing. Allele origin: germline.
Comment: The LDB3 gene has multiple clinically relevant transcripts. This variant occurs in alternate transcript NM_007078.3, and corresponds to NM_001080116.1:c.321+1313C>T in the primary transcript. This sequence change replaces alanine, which is neutral and non-polar, with valine, which is neutral and non-polar, at codon 119 of the LDB3 protein (p.Ala119Val). This variant is present in population databases (rs397517223, gnomAD 0.002%). This variant has not been reported in the literature in individuals affected with LDB3-related conditions. ClinVar contains an entry for this variant (Variation ID: 45545). Experimental studies and prediction algorithms are not available or were not evaluated, and the functional significance of this variant is currently unknown. Algorithms developed to predict the effect of sequence changes on RNA splicing suggest that this variant is not likely to affect RNA splicing. In summary, the available evidence is currently insufficient to determine the role of this variant in disease. Therefore, it has been classified as a Variant of Uncertain Significance.

Ambry Genetics
Classification: Uncertain significance for Cardiovascular phenotype. Last evaluated: 2023-08-03. Review status: criteria provided, single submitter. Criteria: Ambry Variant Classification Scheme 2023. Collection method: clinical testing. Allele origin: germline.
Comment: The p.A119V variant (also known as c.356C>T), located in coding exon 4 of the LDB3 gene, results from a C to T substitution at nucleotide position 356. The alanine at codon 119 is replaced by valine, an amino acid with similar properties. This amino acid position is not well conserved in available vertebrate species. In addition, this alteration is predicted to be tolerated by in silico analysis. Since supporting evidence is limited at this time, the clinical significance of this alteration remains unclear.

Fulgent Genetics
Classification: Uncertain significance for Dilated cardiomyopathy 1C; Myofibrillar myopathy 4. Last evaluated: 2021-09-27. Review status: criteria provided, single submitter. Criteria: ACMG Guidelines, 2015. Collection method: clinical testing. Allele origin: unknown.

GeneDx
Classification: Uncertain significance. Last evaluated: 2020-09-23. Review status: criteria provided, single submitter. Criteria: GeneDx Variant Classification Process June 2021. Collection method: clinical testing. Allele origin: germline. Affected: yes.
Comment: Has not been previously published in association with LDB3-related disorders to our knowledge; Reported in ClinVar as a variant of uncertain significance (ClinVar Variant ID# 45545; Landrum et al., 2016); Not observed at a significant frequency in large population cohorts (Lek et al., 2016); In silico analysis supports that this missense variant does not alter protein structure/function; This variant is associated with the following publications: (PMID: 20474083)

Laboratory for Molecular Medicine, Mass General Brigham Personalized Medicine
Classification: Uncertain significance. Last evaluated: 2014-05-23. Review status: no assertion criteria provided. Collection method: clinical testing. Allele origin: germline. Observed: 3 variant alleles. Not counted in ClinVar's aggregate classification.
Comment: proposed classification - variant undergoing re-assessment, contact laboratory